The following is an entry in ClinVar:

NM_033380.3(COL4A5):c.4339_4340dup (p.Gly1448fs)

Gene: COL4A5 (collagen type IV alpha 5 chain; plus strand). Cytogenetic location: Xq22.3.
Variant type: Duplication.
Coding change: c.4339_4340dup on transcript NM_033380.3 (MANE Select); coding-DNA positions 4339 to 4340, 2 bases duplicated (CC; older notation c.4339_4340dupCC).
Protein change: p.Gly1448fs; shifts the reading frame from glycine 1448.
Molecular consequence: frameshift variant.
Genome position (GRCh38, 1-based): chrX:108,687,505-108,687,506, CC duplicated; duplicating any 2 consecutive bases within chrX:108,687,502-108,687,506 gives the same sequence; the c. name uses the placement nearest the transcript's 3' end. VCF-style (leftmost placement, unchanged base first): chrX-108687501-T-TCC. GRCh37 (hg19) VCF-style: chrX-107930731-T-TCC.
Other names: c.4321_4322dup, p.Gly1442fs (NM_000495.5); short protein forms G1448fs, G1442fs.
Identifiers: ClinVar variation 1389189 (VCV001389189.6), dbSNP rs2147991216, ClinGen allele CA2573159105.

ClinVar aggregate classification (germline): Pathogenic (1 of 4 stars; one submission).

Submission:

Labcorp Genetics (formerly Invitae), Labcorp
Classification: Pathogenic. Last evaluated: 2021-06-28. Review status: criteria provided, single submitter. Criteria: Invitae Variant Classification Sherloc (09022015). Collection method: clinical testing. Allele origin: germline.
Comment: This sequence change creates a premature translational stop signal (p.Gly1442Leufs*107) in the COL4A5 gene. It is expected to result in an absent or disrupted protein product. Loss-of-function variants in COL4A5 are known to be pathogenic (PMID: 9195222, 10752524, 14514738, 24854265, 26809805). This variant is not present in population databases (ExAC no frequency). This variant has not been reported in the literature in individuals affected with COL4A5-related conditions. For these reasons, this variant has been classified as Pathogenic.

Literature cited by the submitters: PubMed 9195222; PubMed 10752524; PubMed 14514738; PubMed 24854265; PubMed 26809805.